The following is an entry in ClinVar:

NM_000484.4(APP):c.1018G>A (p.Val340Met)

Gene: APP (amyloid beta precursor protein; minus strand). Cytogenetic location: 21q21.3.
Variant type: single nucleotide variant.
Coding change: c.1018G>A on transcript NM_000484.4 (MANE Select); coding-DNA position 1018, G replaced by A.
Protein change: p.Val340Met; replaces valine 340 with methionine.
Molecular consequence: missense variant. On other transcripts: intron variant (5).
Genome position (GRCh38, 1-based): chr21:26,000,030, C>T on the plus strand (G>A on the coding strand, the complement: APP is on the minus strand). VCF-style: chr21-26000030-C-T. GRCh37 (hg19) VCF-style: chr21-27372345-C-T.
Other names: c.1003G>A, p.Val335Met (NM_001136016.3); c.850G>A, p.Val284Met (NM_001136130.3); c.1018G>A, p.Val340Met (NM_001204301.2, NM_001204302.2, NM_201413.3); c.761-17553G>A (NM_001136131.3); c.698-17553G>A (NM_001136129.3); c.866-17553G>A (NM_001204303.2, NM_201414.3); c.866-2614G>A (NM_001385253.1); short protein forms V284M, V335M, V340M.
Identifiers: ClinVar variation 4688425 (VCV004688425.1).

ClinVar aggregate classification (germline): Uncertain significance (1 of 4 stars; one submission).

gnomAD v4.1: 13 of 1,613,942 alleles (0.00081%); highest among the groups gnomAD compares: African/African-American, 0.0027%; no homozygotes.

Submission:

Women's Health and Genetics/Laboratory Corporation of America, LabCorp
Classification: Uncertain significance. Last evaluated: 2025-12-10. Review status: criteria provided, single submitter. Criteria: LabCorp Variant Classification Summary - May 2015. Collection method: clinical testing. Allele origin: germline.
Comment: Variant summary: APP c.1018G>A (p.Val340Met) results in a conservative amino acid change in the encoded protein sequence. Algorithms developed to predict the effect of missense changes on protein structure and function are either unavailable or do not agree on the potential impact of this missense change. The variant allele was found at a frequency of 1.6e-05 in 251046 control chromosomes. The available data on variant occurrences in the general population are insufficient to allow any conclusion about variant significance. c.1018G>A has been observed in both affected individuals and unaffected individuals from at least one family with a history of with Alzheimer Disease and segregation data was limited/inconclusive (Cruchaga_2012, Lee_2014). These report(s) do not provide unequivocal conclusions about association of the variant with Alzheimer Disease. At least one publication reports experimental evidence evaluating an impact on protein function. These results showed no effect of this variant on amyloid beta isoform levels in vitro in comparison to the wildtype protein (Hsu_2020). The following publications have been ascertained in the context of this evaluation (PMID: 22312439, 32087291, 25333068). No submitters have cited clinical-significance assessments for this variant to ClinVar. Based on the evidence outlined above, the variant was classified as uncertain significance.

Literature cited by the submitters: PubMed 22312439; PubMed 32087291; PubMed 25333068.